The following is an entry in ClinVar:

NM_021625.5(TRPV4):c.1337G>A (p.Arg446His)

Gene: TRPV4 (transient receptor potential cation channel subfamily V member 4; minus strand). Cytogenetic location: 12q24.11.
Variant type: single nucleotide variant.
Coding change: c.1337G>A on transcript NM_021625.5 (MANE Select); coding-DNA position 1337, G replaced by A.
Protein change: p.Arg446His; replaces arginine 446 with histidine.
Molecular consequence: missense variant.
Genome position (GRCh38, 1-based): chr12:109,794,483, C>T on the plus strand (G>A on the coding strand, the complement: TRPV4 is on the minus strand). VCF-style: chr12-109794483-C-T. GRCh37 (hg19) VCF-style: chr12-110232288-C-T.
Other names: c.1235G>A, p.Arg412His (NM_001177431.2); c.1016G>A, p.Arg339His (NM_001177433.2); c.1157G>A, p.Arg386His (NM_147204.3); c.1196G>A, p.Arg399His (NM_001177428.2); short protein forms R446H, R386H, R399H, R339H, R412H.
Identifiers: ClinVar variation 536865 (VCV000536865.11), dbSNP rs143502097, ClinGen allele CA6780265.

ClinVar aggregate classification (germline): Uncertain significance. Review status: criteria provided, multiple submitters, no conflicts (2 of 4 stars). 2 submissions from 2 submitters: Uncertain significance (2). Last evaluated 2025-10-13.

Conditions:
Charcot-Marie-Tooth disease axonal type 2C (HMSN2C). Also called: CHARCOT-MARIE-TOOTH DISEASE, AXONAL, AUTOSOMAL DOMINANT, TYPE 2C; Charcot-Marie-Tooth Neuropathy Type 2C; Charcot-Marie-Tooth Disease Type 2, TRPV4-Related (CMT2C). Identifiers: Orphanet 99937, MedGen C1853710, MONDO:0011633, OMIM 606071.
Charcot-Marie-Tooth disease. Also called: Charcot-Marie-Tooth Hereditary Neuropathy; Charcot-Marie-Tooth Neuropathy. Identifiers: Orphanet 166, MedGen C0007959, MONDO:0015626.

Allele frequency attached by ClinVar (database versions not stated): TOPMed 0.00001.
gnomAD v4.1: 39 of 1,613,566 alleles (0.0024%); highest among the groups gnomAD compares: Non-Finnish European, 0.0031%; no homozygotes.

Submissions (2):

Labcorp Genetics (formerly Invitae), Labcorp
Classification: Uncertain significance for Charcot-Marie-Tooth disease axonal type 2C. Last evaluated: 2025-10-13. Review status: criteria provided, single submitter. Criteria: Invitae Variant Classification Sherloc (09022015). Collection method: clinical testing. Allele origin: germline.
Comment: This sequence change replaces arginine, which is basic and polar, with histidine, which is basic and polar, at codon 446 of the TRPV4 protein (p.Arg446His). This variant is present in population databases (rs143502097, gnomAD 0.003%). This missense change has been observed in individual(s) with Charcot-Marie-Tooth disease (PMID: 32376792; Invitate). ClinVar contains an entry for this variant (Variation ID: 536865). Invitae Evidence Modeling of protein sequence and biophysical properties (such as structural, functional, and spatial information, amino acid conservation, physicochemical variation, residue mobility, and thermodynamic stability) indicates that this missense variant is not expected to disrupt TRPV4 protein function with a negative predictive value of 95%. In summary, the available evidence is currently insufficient to determine the role of this variant in disease. Therefore, it has been classified as a Variant of Uncertain Significance.

Molecular Genetics Laboratory, London Health Sciences Centre
Classification: Uncertain significance for Charcot-Marie-Tooth disease. Review status: criteria provided, single submitter. Criteria: ACMG Guidelines, 2015. Collection method: clinical testing. Allele origin: germline. Affected: yes.

Literature cited by the submitters: PubMed 32376792 (cited by Labcorp Genetics (formerly Invitae), Labcorp).